The following is an entry in ClinVar:

ClinVar aggregate classification (germline): Uncertain significance. Review status: criteria provided, multiple submitters, no conflicts (2 of 4 stars). 2 submissions from 2 submitters: Uncertain significance (2). Last evaluated 2025-08-06.

Conditions:
Inborn genetic diseases. Identifiers: MedGen C0950123, MeSH D030342.

Allele frequency attached by ClinVar (database versions not stated): TOPMed 0.00002; 1000 Genomes Project 30x 0.00016; 1000 Genomes Project 0.00020; gnomAD 0.00002.

Submissions (2):

Ambry Genetics
Classification: Uncertain significance for Inborn genetic diseases. Last evaluated: 2025-08-06. Review status: criteria provided, single submitter. Criteria: Ambry Variant Classification Scheme 2023. Collection method: clinical testing. Allele origin: germline.

Labcorp Genetics (formerly Invitae), Labcorp
Classification: Uncertain significance. Last evaluated: 2024-09-30. Review status: criteria provided, single submitter. Criteria: Invitae Variant Classification Sherloc (09022015). Collection method: clinical testing. Allele origin: germline.
Comment: This sequence change replaces arginine, which is basic and polar, with glutamine, which is neutral and polar, at codon 148 of the COCH protein (p.Arg148Gln). This variant is present in population databases (rs543399762, gnomAD 0.007%). This variant has not been reported in the literature in individuals affected with COCH-related conditions. ClinVar contains an entry for this variant (Variation ID: 2262836). Invitae Evidence Modeling of protein sequence and biophysical properties (such as structural, functional, and spatial information, amino acid conservation, physicochemical variation, residue mobility, and thermodynamic stability) indicates that this missense variant is not expected to disrupt COCH protein function with a negative predictive value of 80%. In summary, the available evidence is currently insufficient to determine the role of this variant in disease. Therefore, it has been classified as a Variant of Uncertain Significance.

NM_004086.3(COCH):c.443G>A (p.Arg148Gln)

Genes: COCH (cochlin; plus strand), COCH-AS1 (COCH antisense RNA 1; minus strand). Cytogenetic location: 14q12.
Variant type: single nucleotide variant.
Coding change: c.443G>A on transcript NM_004086.3 (MANE Select); coding-DNA position 443, G replaced by A.
Protein change: p.Arg148Gln; replaces arginine 148 with glutamine.
Molecular consequence: missense variant.
Genome position (GRCh38, 1-based): chr14:30,880,458, G>A. VCF-style: chr14-30880458-G-A. GRCh37 (hg19) VCF-style: chr14-31349664-G-A.
Other names: c.443G>A, p.Arg148Gln (NM_001135058.2); c.638G>A, p.Arg213Gln (NM_001347720.2); short protein forms R213Q, R148Q.
Identifiers: ClinVar variation 2262836 (VCV002262836.5), dbSNP rs543399762, ClinGen allele CA7143050.